The following is an entry in ClinVar:

ClinVar aggregate classification (germline): Pathogenic (1 of 4 stars; one submission).

Conditions:
Breast-ovarian cancer, familial, susceptibility to, 3. Also called: RAD51C-Related Breast/Ovarian Cancer. Identifiers: Orphanet 145, MedGen C3150659, MONDO:0013253, OMIM 613399.

Submission:

Myriad Genetics, Inc.
Classification: Pathogenic for Breast-ovarian cancer, familial, susceptibility to, 3. Last evaluated: 2024-01-02. Review status: criteria provided, single submitter. Criteria: Myriad Autosomal Dominant, Autosomal Recessive and X-Linked Classification Criteria (2023). Collection method: clinical testing. Allele origin: unknown.
Comment: This variant is considered pathogenic. This variant creates a frameshift predicted to result in premature protein truncation.

NM_058216.3(RAD51C):c.222del (p.Arg74fs)

Gene: RAD51C (RAD51 paralog C; plus strand). Cytogenetic location: 17q22.
Variant type: Deletion.
Coding change: c.222del on transcript NM_058216.3 (MANE Select); coding-DNA position 222, one base deleted (A; older notation c.222delA).
Protein change: p.Arg74fs; shifts the reading frame from arginine 74.
Molecular consequence: frameshift variant. On other transcripts: non-coding transcript variant (2).
Genome position (GRCh38, 1-based): chr17:58,695,007, A deleted. VCF-style (leftmost placement, unchanged base first): chr17-58695006-GA-G. GRCh37 (hg19) VCF-style: chr17-56772367-GA-G.
Other names: c.222del, p.Arg74fs (NM_002876.4); c.222delA, p.Arg74Serfs (NM_058217.1); short protein forms R74fs.
Identifiers: ClinVar variation 3148315 (VCV003148315.1), dbSNP rs2509274053, ClinGen allele CA2825002545.